The following is an entry in ClinVar:

NM_001353345.2(SETD1B):c.4160C>A (p.Pro1387His)

Gene: SETD1B (SET domain containing 1B, histone lysine methyltransferase; plus strand). Cytogenetic location: 12q24.31.
Variant type: single nucleotide variant.
Coding change: c.4160C>A on transcript NM_001353345.2 (MANE Select); coding-DNA position 4160, C replaced by A.
Protein change: p.Pro1387His; replaces proline 1387 with histidine.
Molecular consequence: missense variant.
Genome position (GRCh38, 1-based): chr12:121,822,739, C>A. VCF-style: chr12-121822739-C-A. GRCh37 (hg19) VCF-style: chr12-122260645-C-A.
Other names: short protein forms P1387H.
Identifiers: ClinVar variation 1708117 (VCV001708117.1), dbSNP rs2500232929, ClinGen allele CA386998457.

ClinVar aggregate classification (germline): Uncertain significance (1 of 4 stars; one submission).

Conditions:
Intellectual developmental disorder with seizures and language delay (IDDSELD). Identifiers: MedGen C5436574, MONDO:0033559, OMIM 619000.

Allele frequency attached by ClinVar (database versions not stated): gnomAD exomes below 0.00001.
gnomAD v4.1: 2 of 1,516,936 alleles (0.00013%); highest among the groups gnomAD compares: Non-Finnish European, 0.00018%; no homozygotes.

Submission:

Laboratory of Medical Genetics, National & Kapodistrian University of Athens
Classification: Uncertain significance for Intellectual developmental disorder with seizures and language delay. Last evaluated: 2022-07-18. Review status: criteria provided, single submitter. Criteria: ACMG Guidelines, 2015. Collection method: clinical testing. Allele origin: paternal. Affected: yes.
Comment: PM2, PP2